The following is an entry in ClinVar:

ClinVar aggregate classification (germline): Likely benign (0 of 4 stars; one submission).

Conditions:
PLXNA3-related disorder. Also called: PLXNA3-related condition.

Allele frequency attached by ClinVar (database versions not stated): gnomAD exomes 0.00002; ExAC 0.00005; ESP Exome Variant Server 0.00009; gnomAD 0.00010; TOPMed 0.00011.
gnomAD v4.1: 33 of 1,201,825 alleles (0.0027%); highest among the groups gnomAD compares: African/African-American, 0.052%; no homozygotes.

Submission:

PreventionGenetics, part of Exact Sciences
Classification: Likely benign for PLXNA3-related condition. Last evaluated: 2021-07-12. Review status: no assertion criteria provided. Collection method: clinical testing. Allele origin: germline.
Comment: This variant is classified as likely benign based on ACMG/AMP sequence variant interpretation guidelines (Richards et al. 2015 PMID: 25741868, with internal and published modifications).

NM_017514.5(PLXNA3):c.2937-4G>A

Gene: PLXNA3 (plexin A3; plus strand). Cytogenetic location: Xq28.
Variant type: single nucleotide variant.
Coding change: c.2937-4G>A on transcript NM_017514.5 (MANE Select); 4 bases into the intron before coding-DNA position 2937, G replaced by A.
Molecular consequence: intron variant.
Genome position (GRCh38, 1-based): chrX:154,466,619, G>A. VCF-style: chrX-154466619-G-A. GRCh37 (hg19) VCF-style: chrX-153694962-G-A.
Identifiers: ClinVar variation 3029046 (VCV003029046.2), dbSNP rs371484357, ClinGen allele CA10564528.